The following is an entry in ClinVar:

ClinVar aggregate classification (germline): Uncertain significance (1 of 4 stars; one submission).

Conditions:
Hereditary cancer-predisposing syndrome. Also called: Neoplastic Syndromes, Hereditary; Tumor predisposition; Hereditary Cancer Syndrome; Hereditary neoplastic syndrome. Identifiers: Orphanet 140162, MedGen C0027672, MeSH D009386, MONDO:0015356.

Submission:

Ambry Genetics
Classification: Uncertain significance for Hereditary cancer-predisposing syndrome. Last evaluated: 2025-06-21. Review status: criteria provided, single submitter. Criteria: Ambry Variant Classification Scheme 2023. Collection method: clinical testing. Allele origin: germline.
Comment: The p.L1700P variant (also known as c.5099T>C), located in coding exon 33 of the ATM gene, results from a T to C substitution at nucleotide position 5099. The leucine at codon 1700 is replaced by proline, an amino acid with similar properties. This amino acid position is conserved. In addition, this alteration is predicted to be tolerated by in silico analysis. Based on the available evidence, the clinical significance of this variant remains unclear.

NM_000051.4(ATM):c.5099T>C (p.Leu1700Pro)

Gene: ATM (ATM serine/threonine kinase; plus strand). Cytogenetic location: 11q22.3.
Variant type: single nucleotide variant.
Coding change: c.5099T>C on transcript NM_000051.4 (MANE Select); coding-DNA position 5099, T replaced by C.
Protein change: p.Leu1700Pro; replaces leucine 1700 with proline.
Molecular consequence: missense variant.
Genome position (GRCh38, 1-based): chr11:108,299,807, T>C. VCF-style: chr11-108299807-T-C. GRCh37 (hg19) VCF-style: chr11-108170534-T-C.
Other names: c.5099T>C, p.Leu1700Pro (NM_001351834.2); short protein forms L1700P.
Identifiers: ClinVar variation 4168851 (VCV004168851.1).